The following is an entry in ClinVar:

ClinVar aggregate classification (germline): Uncertain significance (1 of 4 stars; one submission).

Conditions:
Tuberous sclerosis 2 (TSC2). Identifiers: Orphanet 805, MedGen C1860707, MONDO:0013199, OMIM 613254.

Submission:

Labcorp Genetics (formerly Invitae), Labcorp
Classification: Uncertain significance for Tuberous sclerosis 2. Last evaluated: 2021-12-30. Review status: criteria provided, single submitter. Criteria: Invitae Variant Classification Sherloc (09022015). Collection method: clinical testing. Allele origin: germline.
Comment: In summary, the available evidence is currently insufficient to determine the role of this variant in disease. Therefore, it has been classified as a Variant of Uncertain Significance. Advanced modeling of protein sequence and biophysical properties (such as structural, functional, and spatial information, amino acid conservation, physicochemical variation, residue mobility, and thermodynamic stability) performed at Invitae indicates that this missense variant is not expected to disrupt TSC2 protein function. This variant has not been reported in the literature in individuals affected with TSC2-related conditions. This variant is not present in population databases (gnomAD no frequency). This sequence change replaces histidine, which is basic and polar, with leucine, which is neutral and non-polar, at codon 832 of the TSC2 protein (p.His832Leu).

NM_000548.5(TSC2):c.2495A>T (p.His832Leu)

Gene: TSC2 (TSC complex subunit 2; plus strand). Cytogenetic location: 16p13.3.
Variant type: single nucleotide variant.
Coding change: c.2495A>T on transcript NM_000548.5 (MANE Select); coding-DNA position 2495, A replaced by T.
Protein change: p.His832Leu; replaces histidine 832 with leucine.
Molecular consequence: missense variant.
Genome position (GRCh38, 1-based): chr16:2,074,339, A>T. VCF-style: chr16-2074339-A-T. GRCh37 (hg19) VCF-style: chr16-2124340-A-T.
Other names: c.2495A>T, p.His832Leu (NM_001077183.3, NM_001114382.3, NM_001363528.2 and 6 more transcripts); c.2384A>T, p.His795Leu (NM_001318827.2, NM_001406670.1, NM_001406678.1); c.2348A>T, p.His783Leu (NM_001318829.2, NM_001406675.1, NM_001406676.1 and 1 more transcripts); c.1895A>T, p.His632Leu (NM_001318831.2, NM_001406680.1, NM_001406682.1 and 6 more transcripts); c.2528A>T, p.His843Leu (NM_001318832.2); c.2585A>T, p.His862Leu (NM_001406667.1, NM_001406668.1); c.2483A>T, p.His828Leu (NM_001406671.1, NM_001406673.1); c.2438A>T, p.His813Leu (NM_001406677.1); and 3 more; short protein forms H832L, H384L, H862L, H298L, H632L, H813L, H828L, H843L.
Identifiers: ClinVar variation 2066190 (VCV002066190.4), dbSNP rs2151354325, ClinGen allele CA394277801.